The following is an entry in ClinVar:

ClinVar aggregate classification (germline): Pathogenic (1 of 4 stars; one submission).

Submission:

Labcorp Genetics (formerly Invitae), Labcorp
Classification: Pathogenic. Last evaluated: 2019-01-23. Review status: criteria provided, single submitter. Criteria: Invitae Variant Classification Sherloc (09022015). Collection method: clinical testing. Allele origin: germline.
Comment: Loss-of-function variants in CYP11B2 are known to be pathogenic (PMID: 20494601, 22801770, 26936515). For these reasons, this variant has been classified as Pathogenic. This variant has not been reported in the literature in individuals with CYP11B2-related conditions. This variant is not present in population databases (ExAC no frequency). This sequence change creates a premature translational stop signal (p.Leu373Alafs*48) in the CYP11B2 gene. It is expected to result in an absent or disrupted protein product.

Literature cited by the submitters: PubMed 20494601; PubMed 22801770; PubMed 26936515.

NM_000498.3(CYP11B2):c.1116_1117del (p.Leu373fs)

Genes: CYP11B2 (cytochrome P450 family 11 subfamily B member 2; minus strand), LOC106799834 (CYP11B2 recombination region; plus strand). Cytogenetic location: 8q24.3.
Variant type: Deletion.
Coding change: c.1116_1117del on transcript NM_000498.3 (MANE Select); coding-DNA positions 1116 to 1117, 2 bases deleted (CT; older notation c.1116_1117delCT).
Protein change: p.Leu373fs; shifts the reading frame from leucine 373.
Molecular consequence: frameshift variant.
Genome position (GRCh38, 1-based): chr8:142,913,289-142,913,290, AG deleted on the plus strand (CT on the coding strand, the reverse complement: CYP11B2 is on the minus strand). VCF-style (leftmost placement, unchanged base first): chr8-142913288-AAG-A. GRCh37 (hg19) VCF-style: chr8-143994704-AAG-A.
Other names: short protein forms L373fs.
Identifiers: ClinVar variation 857171 (VCV000857171.7), dbSNP rs1817574696, ClinGen allele CA916083013.